The following is an entry in ClinVar:

ClinVar aggregate classification (germline): Pathogenic/Likely pathogenic. Review status: criteria provided, multiple submitters, no conflicts (2 of 4 stars). 5 submissions from 5 submitters: Pathogenic (2); Likely pathogenic (2). 1 of the submissions does not count toward it. Last evaluated 2025-01-29.

Conditions:
VPS13B-related disorder. Also called: VPS13B-related condition.
Cohen syndrome (COH1). Also called: PEPPER SYNDROME; Cutis verticis gyrata, retinitis pigmentosa, and sensorineural deafness. Identifiers: Orphanet 193, MedGen C0265223, MONDO:0008999, OMIM 216550.

Submissions (5):

PreventionGenetics, part of Exact Sciences
Classification: Likely pathogenic for VPS13B-related condition. Last evaluated: 2025-01-29. Review status: criteria provided, single submitter. Criteria: ACMG Guidelines, 2015. Collection method: clinical testing. Allele origin: germline.
Comment: The VPS13B c.7217delA variant is predicted to result in a frameshift and premature protein termination (p.Asn2406Thrfs*26). To our knowledge, this variant has not been reported in the literature or in a large population database, indicating this variant is rare. Frameshift variants in VPS13B are expected to be pathogenic. This variant is interpreted as likely pathogenic.

Labcorp Genetics (formerly Invitae), Labcorp
Classification: Pathogenic for Cohen syndrome. Last evaluated: 2024-10-29. Review status: criteria provided, single submitter. Criteria: Invitae Variant Classification Sherloc (09022015). Collection method: clinical testing. Allele origin: germline.
Comment: This sequence change creates a premature translational stop signal (p.Asn2431Thrfs*26) in the VPS13B gene. It is expected to result in an absent or disrupted protein product. Loss-of-function variants in VPS13B are known to be pathogenic (PMID: 15141358, 16648375, 20461111). This variant is not present in population databases (gnomAD no frequency). This variant has not been reported in the literature in individuals affected with VPS13B-related conditions. ClinVar contains an entry for this variant (Variation ID: 279781). For these reasons, this variant has been classified as Pathogenic.

Fulgent Genetics
Classification: Likely pathogenic for Cohen syndrome. Last evaluated: 2024-03-21. Review status: criteria provided, single submitter. Criteria: ACMG Guidelines, 2015. Collection method: clinical testing. Allele origin: germline.

GeneDx
Classification: Pathogenic. Last evaluated: 2016-10-04. Review status: criteria provided, single submitter. Criteria: GeneDx Variant Classification (06012015). Collection method: clinical testing. Allele origin: germline. Affected: yes.
Comment: The c.7292delA pathogenic variant in the VPS13B gene has not been reported previously as a pathogenic variant nor as a benign variant, to our knowledge. The c.7292delA variant causes a frameshift starting with codon Asparagine 2431, changes this amino acid to a Threonine residue, and creates a premature Stop codon at position 26 of the new reading frame, denoted p.Asn2431ThrfsX26. This variant is predicted to cause loss of normal protein function either through protein truncation or nonsense-mediated mRNA decay. The c.7292delA variant was not observed in approximately 6500 individuals of European and African American ancestry in the NHLBI Exome Sequencing Project, indicating it is not a common benign variant in these populations. We interpret c.7292delA as a pathogenic variant.

Counsyl
Classification: Likely pathogenic for Cohen syndrome. Last evaluated: 2016-02-16. Review status: no assertion criteria provided. Collection method: clinical testing. Allele origin: unknown. Not counted in ClinVar's aggregate classification.

Literature cited by the submitters: PubMed 15141358 (cited by Labcorp Genetics (formerly Invitae), Labcorp); PubMed 16648375 (cited by Labcorp Genetics (formerly Invitae), Labcorp); PubMed 20461111 (cited by Labcorp Genetics (formerly Invitae), Labcorp).

NM_152564.5(VPS13B):c.7217del (p.Asn2406fs)

Gene: VPS13B (vacuolar protein sorting 13 homolog B; plus strand). Cytogenetic location: 8q22.2.
Variant type: Deletion.
Coding change: c.7217del on transcript NM_152564.5 (MANE Select); coding-DNA position 7217, one base deleted (A; older notation c.7217delA).
Protein change: p.Asn2406fs; shifts the reading frame from asparagine 2406.
Molecular consequence: frameshift variant.
Genome position (GRCh38, 1-based): chr8:99,766,940, A deleted; the last of 2 consecutive A bases (chr8:99,766,939-99,766,940); deleting either gives the same sequence. VCF-style (leftmost placement, unchanged base first): chr8-99766938-GA-G. GRCh37 (hg19) VCF-style: chr8-100779166-GA-G.
Other names: c.7292del, p.Asn2431fs (NM_017890.5); c.7292del (NM_017890.4); c.7217delA (NM_152564.4); c.7292delA (NM_017890.4); short protein forms N2406fs, N2431fs.
Identifiers: ClinVar variation 279781 (VCV000279781.13), dbSNP rs886041184, ClinGen allele CA10603010.